The following is an entry in ClinVar:

ClinVar aggregate classification (germline): Uncertain significance (1 of 4 stars; one submission).

Conditions:
Episodic ataxia type 1 (EA1). Also called: ATAXIA, EPISODIC, WITH MYOKYMIA; Episodic ataxia/myokymia syndrome; MYOKYMIA WITH PERIODIC ATAXIA; PAROXYSMAL ATAXIA WITH NEUROMYOTONIA, HEREDITARY. Identifiers: Orphanet 37612, Orphanet 972, MedGen C1719788, MONDO:0008047, OMIM 160120.

Allele frequency attached by ClinVar (database versions not stated): ExAC 0.00001.
gnomAD v4.1: 3 of 1,614,104 alleles (0.00019%); highest among the groups gnomAD compares: South Asian, 0.0011%; no homozygotes.

Submission:

Labcorp Genetics (formerly Invitae), Labcorp
Classification: Uncertain significance for Episodic ataxia type 1. Last evaluated: 2022-04-03. Review status: criteria provided, single submitter. Criteria: Invitae Variant Classification Sherloc (09022015). Collection method: clinical testing. Allele origin: germline.
Comment: In summary, the available evidence is currently insufficient to determine the role of this variant in disease. Therefore, it has been classified as a Variant of Uncertain Significance. Advanced modeling of protein sequence and biophysical properties (such as structural, functional, and spatial information, amino acid conservation, physicochemical variation, residue mobility, and thermodynamic stability) performed at Invitae indicates that this missense variant is not expected to disrupt KCNA1 protein function. This variant has not been reported in the literature in individuals affected with KCNA1-related conditions. This variant is present in population databases (rs762016621, gnomAD 0.003%). This sequence change replaces asparagine, which is neutral and polar, with serine, which is neutral and polar, at codon 215 of the KCNA1 protein (p.Asn215Ser).

NM_000217.3(KCNA1):c.644A>G (p.Asn215Ser)

Gene: KCNA1 (potassium voltage-gated channel subfamily A member 1; plus strand). Cytogenetic location: 12p13.32.
Variant type: single nucleotide variant.
Coding change: c.644A>G on transcript NM_000217.3 (MANE Select); coding-DNA position 644, A replaced by G.
Protein change: p.Asn215Ser; replaces asparagine 215 with serine.
Molecular consequence: missense variant.
Genome position (GRCh38, 1-based): chr12:4,912,022, A>G. VCF-style: chr12-4912022-A-G. GRCh37 (hg19) VCF-style: chr12-5021188-A-G.
Other names: short protein forms N215S.
Identifiers: ClinVar variation 1954463 (VCV001954463.5), dbSNP rs762016621, ClinGen allele CA6399411.
Genomic context (GRCh38, chr12:4,912,022, plus strand): 5'-ACAAGGACTTCACGGGCACCGTCCACCGCATCGACAACACCACGGTCATCTACAATTCCA[A>G]CATCTTCACAGACCCCTTCTTCATCGTGGAAACGCTGTGTATCATCTGGTTCTCCTTCGA-3'
Protein context (NP_000208.2, residues 205-225): IDNTTVIYNS[Asn215Ser]IFTDPFFIVE